The following is an entry in ClinVar:

ClinVar aggregate classification (germline): Uncertain significance (1 of 4 stars; one submission).

Conditions:
Hereditary cancer-predisposing syndrome. Also called: Tumor predisposition; Neoplastic Syndromes, Hereditary; Hereditary neoplastic syndrome; Hereditary Cancer Syndrome. Identifiers: Orphanet 140162, MedGen C0027672, MeSH D009386, MONDO:0015356.

Submission:

Ambry Genetics
Classification: Uncertain significance for Hereditary cancer-predisposing syndrome. Last evaluated: 2025-08-11. Review status: criteria provided, single submitter. Criteria: Ambry Variant Classification Scheme 2023. Collection method: clinical testing. Allele origin: germline.
Comment: The p.A363V variant (also known as c.1088C>T), located in coding exon 9 of the MITF gene, results from a C to T substitution at nucleotide position 1088. The alanine at codon 363 is replaced by valine, an amino acid with similar properties. This amino acid position is conserved. In addition, this alteration is predicted to be tolerated by in silico analysis. Based on the available evidence, the clinical significance of this variant remains unclear.

NM_001354604.2(MITF):c.1409C>T (p.Ala470Val)

Gene: MITF (melanocyte inducing transcription factor; plus strand). Cytogenetic location: 3p13.
Variant type: single nucleotide variant.
Coding change: c.1409C>T on transcript NM_001354604.2 (MANE Select); coding-DNA position 1409, C replaced by T.
Protein change: p.Ala470Val; replaces alanine 470 with valine.
Molecular consequence: missense variant.
Genome position (GRCh38, 1-based): chr3:69,965,076, C>T. VCF-style: chr3-69965076-C-T. GRCh37 (hg19) VCF-style: chr3-70014227-C-T.
Other names: c.1088C>T, p.Ala363Val (NM_000248.4); c.1235C>T, p.Ala412Val (NM_001184967.2, NM_001354608.2); c.1406C>T, p.Ala469Val (NM_001354605.2); c.1388C>T, p.Ala463Val (NM_001354606.2, NM_006722.3); c.1340C>T, p.Ala447Val (NM_001354607.2); c.1070C>T, p.Ala357Val (NM_198158.3); c.1391C>T, p.Ala464Val (NM_198159.3); c.1343C>T, p.Ala448Val (NM_198177.3); and 1 more; short protein forms A357V, A448V, A464V, A301V, A463V, A469V, A363V, A412V.
Identifiers: ClinVar variation 4108303 (VCV004108303.1).
Genomic context (GRCh38, chr3:69,965,076, plus strand): 5'-TCACGGATGGCACCATCACCTTCAACAACAACCTCGGAACTGGGACTGAGGCCAACCAAG[C>T]CTATAGTGTCCCCACAAAAATGGGATCCAAACTGGAAGACATCCTGATGGACGACACCCT-3'
Protein context (NP_001341533.1, residues 460-480): NLGTGTEANQ[Ala470Val]YSVPTKMGSK